The following is an entry in ClinVar:

ClinVar aggregate classification (germline): Likely pathogenic (1 of 4 stars; one submission).

Conditions:
Autosomal recessive limb-girdle muscular dystrophy type 2I. Also called: MUSCULAR DYSTROPHY-DYSTROGLYCANOPATHY (LIMB-GIRDLE), TYPE C, 5; MUSCULAR DYSTROPHY-DYSTROGLYCANOPATHY, LIMB-GIRDLE, FRKP-RELATED; MUSCULAR DYSTROPHY, LIMB-GIRDLE, TYPE 2I. Identifiers: Orphanet 34515, MedGen C1846672, MONDO:0011787, OMIM 607155.

Submission:

Natera, Inc.
Classification: Likely pathogenic for Limb-girdle muscular dystrophy type 2I. Last evaluated: 2025-08-19. Review status: criteria provided, single submitter. Criteria: Natera Variant Classification Schema (03/2026). Collection method: clinical testing. Allele origin: germline.
Comment: The c.1235_1238dup variant in FKRP is a frameshift variant predicted to shift the reading frame beginning at codon 414 and leads to a stop codon 51 codons downstream. This variant is expected to result in nonsense mediated decay, truncation, or a dysfunctional protein product. This variant is rare in the general population with a frequency below the threshold expected for the associated phenotype(s). Given the available evidence, this variant is classified as Likely Pathogenic.

NM_024301.5(FKRP):c.1235_1238dup (p.His414fs)

Gene: FKRP (fukutin related protein; plus strand). Cytogenetic location: 19q13.32.
Variant type: Duplication.
Coding change: c.1235_1238dup on transcript NM_024301.5 (MANE Select); coding-DNA positions 1235 to 1238, 4 bases duplicated (ACTT; older notation c.1235_1238dupACTT).
Protein change: p.His414fs; shifts the reading frame from histidine 414.
Molecular consequence: frameshift variant.
Genome position (GRCh38, 1-based): chr19:46,756,685-46,756,688, ACTT duplicated. VCF-style (leftmost placement, unchanged base first): chr19-46756684-C-CACTT. GRCh37 (hg19) VCF-style: chr19-47259941-C-CACTT.
Other names: c.1235_1238dup, p.His414fs (NM_001039885.3); short protein forms H414fs.
Identifiers: ClinVar variation 4816129 (VCV004816129.1).